The following is an entry in ClinVar:

NM_004371.4(COPA):c.3521G>A (p.Arg1174Gln)

Gene: COPA (coat protein complex I subunit alpha; minus strand). Cytogenetic location: 1q23.2.
Variant type: single nucleotide variant.
Coding change: c.3521G>A on transcript NM_004371.4 (MANE Select); coding-DNA position 3521, G replaced by A.
Protein change: p.Arg1174Gln; replaces arginine 1174 with glutamine.
Molecular consequence: missense variant.
Genome position (GRCh38, 1-based): chr1:160,290,586, C>T on the plus strand (G>A on the coding strand, the complement: COPA is on the minus strand). VCF-style: chr1-160290586-C-T. GRCh37 (hg19) VCF-style: chr1-160260376-C-T.
Other names: c.3548G>A, p.Arg1183Gln (NM_001098398.2); short protein forms R1174Q, R1183Q.
Identifiers: ClinVar variation 1384412 (VCV001384412.8), dbSNP rs772329332, ClinGen allele CA1197598.

ClinVar aggregate classification (germline): Uncertain significance (1 of 4 stars; one submission).

Conditions:
Autoimmune interstitial lung disease-arthritis syndrome. Also called: Autoinflammation and autoimmunity, systemic, with immune dysregulation. Identifiers: Orphanet 444092, MedGen C5975714, MONDO:0014629.

Allele frequency attached by ClinVar (database versions not stated): ExAC 0.00001; gnomAD 0.00001; gnomAD exomes 0.00001 and 0.00004; TOPMed 0.00003.
gnomAD v4.1: 57 of 1,613,968 alleles (0.0035%); highest among the groups gnomAD compares: Non-Finnish European, 0.0046%; no homozygotes.

Submission:

Labcorp Genetics (formerly Invitae), Labcorp
Classification: Uncertain significance for Autoimmune interstitial lung disease-arthritis syndrome. Last evaluated: 2025-12-11. Review status: criteria provided, single submitter. Criteria: Invitae Variant Classification Sherloc (09022015). Collection method: clinical testing. Allele origin: germline.
Comment: This sequence change replaces arginine, which is basic and polar, with glutamine, which is neutral and polar, at codon 1174 of the COPA protein (p.Arg1174Gln). This variant is present in population databases (rs772329332, gnomAD 0.002%). This variant has not been reported in the literature in individuals affected with COPA-related conditions. ClinVar contains an entry for this variant (Variation ID: 1384412). Invitae Evidence Modeling of protein sequence and biophysical properties (such as structural, functional, and spatial information, amino acid conservation, physicochemical variation, residue mobility, and thermodynamic stability) indicates that this missense variant is not expected to disrupt COPA protein function with a negative predictive value of 80%. In summary, the available evidence is currently insufficient to determine the role of this variant in disease. Therefore, it has been classified as a Variant of Uncertain Significance.